The following is an entry in ClinVar:

ClinVar aggregate classification (germline): Uncertain significance (1 of 4 stars; one submission).

Allele frequency attached by ClinVar (database versions not stated): gnomAD exomes 0.00001; ExAC 0.00001.
gnomAD v4.1: 12 of 1,613,926 alleles (0.00074%); highest among the groups gnomAD compares: Admixed American, 0.0017%; no homozygotes.

Submission:

Labcorp Genetics (formerly Invitae), Labcorp
Classification: Uncertain significance. Last evaluated: 2021-08-30. Review status: criteria provided, single submitter. Criteria: Invitae Variant Classification Sherloc (09022015). Collection method: clinical testing. Allele origin: germline.
Comment: This sequence change replaces arginine with tryptophan at codon 2382 of the CDH23 protein (p.Arg2382Trp). The arginine residue is highly conserved and there is a moderate physicochemical difference between arginine and tryptophan. This variant is present in population databases (rs774081467, ExAC 0.001%). This missense change has been observed in individual(s) with clinical features of CDH23-related conditions (Invitae). Algorithms developed to predict the effect of missense changes on protein structure and function are either unavailable or do not agree on the potential impact of this missense change (SIFT: "Deleterious"; PolyPhen-2: "Not Available"; Align-GVGD: "Class C65"). In summary, the available evidence is currently insufficient to determine the role of this variant in disease. Therefore, it has been classified as a Variant of Uncertain Significance.

NM_022124.6(CDH23):c.7144C>T (p.Arg2382Trp)

Gene: CDH23 (cadherin related 23; plus strand). Cytogenetic location: 10q22.1.
Variant type: single nucleotide variant.
Coding change: c.7144C>T on transcript NM_022124.6 (MANE Select); coding-DNA position 7144, C replaced by T.
Protein change: p.Arg2382Trp; replaces arginine 2382 with tryptophan.
Molecular consequence: missense variant.
Genome position (GRCh38, 1-based): chr10:71,799,200, C>T. VCF-style: chr10-71799200-C-T. GRCh37 (hg19) VCF-style: chr10-73558957-C-T.
Other names: c.424C>T, p.Arg142Trp (NM_001171933.1, NM_001171934.1); short protein forms R142W, R2382W.
Identifiers: ClinVar variation 1523508 (VCV001523508.5), dbSNP rs774081467, ClinGen allele CA5546272.